The following is an entry in ClinVar:

NM_001283009.2(RTEL1):c.3456G>T (p.Arg1152Ser)

Genes: RTEL1 (regulator of telomere elongation helicase 1; plus strand), RTEL1-TNFRSF6B (RTEL1-TNFRSF6B readthrough (NMD candidate); plus strand). Cytogenetic location: 20q13.33.
Variant type: single nucleotide variant.
Coding change: c.3456G>T on transcript NM_001283009.2 (MANE Select); coding-DNA position 3456, G replaced by T.
Protein change: p.Arg1152Ser; replaces arginine 1152 with serine.
Molecular consequence: missense variant. On other transcripts: non-coding transcript variant (1).
Genome position (GRCh38, 1-based): chr20:63,695,178, G>T. VCF-style: chr20-63695178-G-T. GRCh37 (hg19) VCF-style: chr20-62326531-G-T.
Other names: c.2787G>T, p.Arg929Ser (NM_001283010.1); c.3456G>T, p.Arg1152Ser (NM_016434.4); c.3528G>T, p.Arg1176Ser (NM_032957.5); short protein forms R1176S, R1152S, R929S.
Identifiers: ClinVar variation 2924344 (VCV002924344.4), dbSNP rs753433733, ClinGen allele CA409685464.

ClinVar aggregate classification (germline): Conflicting classifications of pathogenicity. Review status: criteria provided, conflicting classifications (1 of 4 stars). 2 submissions from 2 submitters: Uncertain significance (1); Likely benign (1). Last evaluated 2025-04-03.

Conditions:
Inborn genetic diseases. Identifiers: MedGen C0950123, MeSH D030342.
Dyskeratosis congenita, autosomal recessive 5 (DKCB5). Identifiers: MedGen C3554656, MONDO:0014076, OMIM 615190.
Pulmonary fibrosis and/or bone marrow failure, Telomere-related, 3. Also called: PULMONARY FIBROSIS AND/OR BONE MARROW FAILURE SYNDROME, TELOMERE-RELATED, 3. Identifiers: Orphanet 2032, MedGen C4225346, MONDO:0014613, OMIM 616373.

Allele frequency attached by ClinVar (database versions not stated): TOPMed below 0.00001.
gnomAD v4.1: 16 of 1,612,252 alleles (0.00099%); highest among the groups gnomAD compares: Non-Finnish European, 0.0014%; no homozygotes.

Submissions (2):

Ambry Genetics
Classification: Likely benign for Inborn genetic diseases. Last evaluated: 2025-04-03. Review status: criteria provided, single submitter. Criteria: Ambry Variant Classification Scheme 2023. Collection method: clinical testing. Allele origin: germline.

Labcorp Genetics (formerly Invitae), Labcorp
Classification: Uncertain significance for Dyskeratosis congenita, autosomal recessive 5; Pulmonary fibrosis and/or bone marrow failure, Telomere-related, 3. Last evaluated: 2023-11-24. Review status: criteria provided, single submitter. Criteria: Invitae Variant Classification Sherloc (09022015). Collection method: clinical testing. Allele origin: germline.
Comment: This sequence change replaces arginine, which is basic and polar, with serine, which is neutral and polar, at codon 1152 of the RTEL1 protein (p.Arg1152Ser). This variant is not present in population databases (gnomAD no frequency). This variant has not been reported in the literature in individuals affected with RTEL1-related conditions. Algorithms developed to predict the effect of missense changes on protein structure and function output the following: SIFT: "Not Available"; PolyPhen-2: "Benign"; Align-GVGD: "Not Available". The serine amino acid residue is found in multiple mammalian species, which suggests that this missense change does not adversely affect protein function. In summary, the available evidence is currently insufficient to determine the role of this variant in disease. Therefore, it has been classified as a Variant of Uncertain Significance.